The following is an entry in ClinVar:

ClinVar aggregate classification (germline): Conflicting classifications of pathogenicity. Review status: criteria provided, conflicting classifications (1 of 4 stars). 3 submissions from 3 submitters: Uncertain significance (2); Likely benign (1). Last evaluated 2025-11-24.

Conditions:
Arrhythmogenic right ventricular dysplasia 9 (ARVD9). Also called: Arrhythmogenic Right Ventricular Dysplasia/Cardiomyopathy 9; ARRHYTHMOGENIC RIGHT VENTRICULAR DYSPLASIA, FAMILIAL, 9. Identifiers: MedGen C1836906, MONDO:0012180, OMIM 609040.
Cardiomyopathy (CMYO). Also called: Cardiomyopathies. Identifiers: Orphanet 167848, MedGen C0878544, MONDO:0004994, HP:0001638. Inheritance: Various modes of inheritance.
Cardiovascular phenotype. Identifiers: MedGen CN230736.

Submissions (3):

Ambry Genetics
Classification: Uncertain significance for Cardiovascular phenotype. Last evaluated: 2025-11-24. Review status: criteria provided, single submitter. Criteria: Ambry Variant Classification Scheme 2023. Collection method: clinical testing. Allele origin: germline.
Comment: The p.A830T variant (also known as c.2488G>A), located in coding exon 12 of the PKP2 gene, results from a G to A substitution at nucleotide position 2488. The alanine at codon 830 is replaced by threonine, an amino acid with similar properties. This amino acid position is conserved. In addition, this alteration is predicted to be tolerated by in silico analysis. Based on the available evidence, the clinical significance of this variant remains unclear.

Color Diagnostics, LLC DBA Color Health
Classification: Likely benign for Cardiomyopathy. Last evaluated: 2024-09-04. Review status: criteria provided, single submitter. Criteria: ACMG Guidelines, 2015. Collection method: clinical testing. Allele origin: germline.

Labcorp Genetics (formerly Invitae), Labcorp
Classification: Uncertain significance for Arrhythmogenic right ventricular dysplasia 9. Last evaluated: 2023-04-06. Review status: criteria provided, single submitter. Criteria: Invitae Variant Classification Sherloc (09022015). Collection method: clinical testing. Allele origin: germline.
Comment: In summary, the available evidence is currently insufficient to determine the role of this variant in disease. Therefore, it has been classified as a Variant of Uncertain Significance. Algorithms developed to predict the effect of missense changes on protein structure and function output the following: SIFT: "Not Available"; PolyPhen-2: "Benign"; Align-GVGD: "Not Available". The threonine amino acid residue is found in multiple mammalian species, which suggests that this missense change does not adversely affect protein function. ClinVar contains an entry for this variant (Variation ID: 1171547). This missense change has been observed in individual(s) with arrhythmogenic right ventricular cardiomyopathy (PMID: 31737537). This variant is not present in population databases (gnomAD no frequency). This sequence change replaces alanine, which is neutral and non-polar, with threonine, which is neutral and polar, at codon 830 of the PKP2 protein (p.Ala830Thr).

Literature cited by the submitters: PubMed 31737537 (cited by Labcorp Genetics (formerly Invitae), Labcorp).

NM_001005242.3(PKP2):c.2356G>A (p.Ala786Thr)

Gene: PKP2 (plakophilin 2; minus strand). Cytogenetic location: 12p11.21.
Variant type: single nucleotide variant.
Coding change: c.2356G>A on transcript NM_001005242.3 (MANE Select); coding-DNA position 2356, G replaced by A.
Protein change: p.Ala786Thr; replaces alanine 786 with threonine.
Molecular consequence: missense variant.
Genome position (GRCh38, 1-based): chr12:32,796,110, C>T on the plus strand (G>A on the coding strand, the complement: PKP2 is on the minus strand). VCF-style: chr12-32796110-C-T. GRCh37 (hg19) VCF-style: chr12-32949044-C-T.
Other names: c.2488G>A, p.Ala830Thr (NM_004572.4); short protein forms A786T, A830T.
Identifiers: ClinVar variation 1171547 (VCV001171547.5), dbSNP rs768463319, ClinGen allele CA384357473.
Genomic context (GRCh38, chr12:32,796,110, plus strand): 5'-TACACACAGGCTGGTGAGGGGAAAGGGAGGCAGCTGACGGGCAGAACTGAAGGACTTACG[C>T]ATCGCCTGCACTAATGGCCATAATTTTCTGGATGCCCCCGGTGTTTAGAAGGTCGCGTGC-3'
Protein context (NP_001005242.2, residues 776-796): QKIMAISAGD[Ala786Thr]YASNKASKAA